The following is an entry in ClinVar:

NM_000474.4(TWIST1):c.258_261dup (p.Gly88fs)

Gene: TWIST1 (twist family bHLH transcription factor 1; minus strand). Cytogenetic location: 7p21.1.
Variant type: Microsatellite.
Coding change: c.258_261dup on transcript NM_000474.4 (MANE Select); coding-DNA positions 258 to 261, 4 bases duplicated (CGCG; older notation c.258_261dupCGCG).
Protein change: p.Gly88fs; shifts the reading frame from glycine 88.
Molecular consequence: frameshift variant. On other transcripts: non-coding transcript variant (1).
Genome position (GRCh38, 1-based): chr7:19,117,061-19,117,064, CGCG duplicated on the plus strand (CGCG on the coding strand, the reverse complement: TWIST1 is on the minus strand); duplicating any 4 consecutive bases within chr7:19,117,061-19,117,065 gives the same sequence; the c. name uses the placement nearest the transcript's 3' end. VCF-style (leftmost placement, unchanged base first): chr7-19117060-C-CCGCG. GRCh37 (hg19) VCF-style: chr7-19156683-C-CCGCG.
Other names: short protein forms G88fs.
Identifiers: ClinVar variation 1434196 (VCV001434196.6), dbSNP rs2115396985, ClinGen allele CA2580615857.
Genomic context (GRCh38, chr7:19,117,060, plus strand): 5'-TCTGCAGCTCCTCGTAAGACTGCGGACTCCCGCCGCCGCTGCTGCTGCCGCCGCCGCCGC[C>CCGCG]CGCGCCGCCGCCGCCGCCACAGCCCGCAGACTTCTTGCCGCGCTTGCCCTGGGCCGGGCT-3'

ClinVar aggregate classification (germline): Pathogenic (1 of 4 stars; one submission).

Conditions:
TWIST1-related craniosynostosis (CRS1). Also called: CRANIOSYNOSTOSIS 1. Identifiers: Orphanet 63440, MedGen C4551902, MONDO:0007399, OMIM 123100. Inheritance: Heterogenous inheritance pattern.
Saethre-Chotzen syndrome (SCS). Also called: ACROCEPHALY, SKULL ASYMMETRY, AND MILD SYNDACTYLY; ACS III; CHOTZEN SYNDROME. Identifiers: Orphanet 794, MedGen C0175699, MONDO:0007042, OMIM 101400.

Submission:

Labcorp Genetics (formerly Invitae), Labcorp
Classification: Pathogenic for TWIST1-related craniosynostosis; Saethre-Chotzen syndrome. Last evaluated: 2022-10-28. Review status: criteria provided, single submitter. Criteria: Invitae Variant Classification Sherloc (09022015). Collection method: clinical testing. Allele origin: germline.
Comment: For these reasons, this variant has been classified as Pathogenic. This variant disrupts a region of the TWIST1 protein in which other variant(s) (p.Leu159Phe) have been determined to be pathogenic (PMID: 10094188, 10749989; Invitae). This suggests that this is a clinically significant region of the protein, and that variants that disrupt it are likely to be disease-causing. This variant has not been reported in the literature in individuals affected with TWIST1-related conditions. This variant is not present in population databases (gnomAD no frequency). This sequence change results in a frameshift in the TWIST1 gene (p.Gly88Argfs*151). While this is not anticipated to result in nonsense mediated decay, it is expected to disrupt the last 115 amino acid(s) of the TWIST1 protein and extend the protein by 35 additional amino acid residues.

Literature cited by the submitters: PubMed 10094188; PubMed 10749989.